The following is an entry in ClinVar:

NM_015192.4(PLCB1):c.521T>C (p.Ile174Thr)

Gene: PLCB1 (phospholipase C beta 1; plus strand). Cytogenetic location: 20p12.3.
Variant type: single nucleotide variant.
Coding change: c.521T>C on transcript NM_015192.4 (MANE Select); coding-DNA position 521, T replaced by C.
Protein change: p.Ile174Thr; replaces isoleucine 174 with threonine.
Molecular consequence: missense variant.
Genome position (GRCh38, 1-based): chr20:8,649,376, T>C. VCF-style: chr20-8649376-T-C. GRCh37 (hg19) VCF-style: chr20-8630023-T-C.
Other names: c.521T>C, p.Ile174Thr (NM_182734.3); short protein forms I174T.
Identifiers: ClinVar variation 4681100 (VCV004681100.1).

ClinVar aggregate classification (germline): Uncertain significance (1 of 4 stars; one submission).

Submission:

GeneDx
Classification: Uncertain significance. Last evaluated: 2025-07-05. Review status: criteria provided, single submitter. Criteria: GeneDx Variant Classification Process June 2021. Collection method: clinical testing. Allele origin: germline. Affected: yes.
Comment: Not observed at significant frequency in large population cohorts (gnomAD); In silico analysis supports that this missense variant has a deleterious effect on protein structure/function; Has not been previously published as pathogenic or benign to our knowledge